The following is an entry in ClinVar:

ClinVar aggregate classification (germline): Uncertain significance (1 of 4 stars; one submission).

Submission:

Labcorp Genetics (formerly Invitae), Labcorp
Classification: Uncertain significance. Last evaluated: 2022-12-04. Review status: criteria provided, single submitter. Criteria: Invitae Variant Classification Sherloc (09022015). Collection method: clinical testing. Allele origin: germline.
Comment: This variant is not present in population databases (gnomAD no frequency). This variant has not been reported in the literature in individuals affected with ITGAM-related conditions. This sequence change replaces methionine, which is neutral and non-polar, with threonine, which is neutral and polar, at codon 1140 of the ITGAM protein (p.Met1140Thr). Algorithms developed to predict the effect of missense changes on protein structure and function are either unavailable or do not agree on the potential impact of this missense change (SIFT: "Deleterious"; PolyPhen-2: "Probably Damaging"; Align-GVGD: "Class C0"). In summary, the available evidence is currently insufficient to determine the role of this variant in disease. Therefore, it has been classified as a Variant of Uncertain Significance.

NM_000632.4(ITGAM):c.3419T>C (p.Met1140Thr)

Gene: ITGAM (integrin subunit alpha M; plus strand). Cytogenetic location: 16p11.2.
Variant type: single nucleotide variant.
Coding change: c.3419T>C on transcript NM_000632.4 (MANE Select); coding-DNA position 3419, T replaced by C.
Protein change: p.Met1140Thr; replaces methionine 1140 with threonine.
Molecular consequence: missense variant.
Genome position (GRCh38, 1-based): chr16:31,331,667, T>C. VCF-style: chr16-31331667-T-C. GRCh37 (hg19) VCF-style: chr16-31342988-T-C.
Other names: c.3422T>C, p.Met1141Thr (NM_001145808.2); short protein forms M1140T, M1141T.
Identifiers: ClinVar variation 2818509 (VCV002818509.3), dbSNP rs2544512512, ClinGen allele CA395708441.